The following is an entry in ClinVar:

ClinVar aggregate classification (germline): Conflicting classifications of pathogenicity. Review status: criteria provided, conflicting classifications (1 of 4 stars). 7 submissions from 7 submitters: Uncertain significance (6); Likely benign (1). Last evaluated 2026-03-02.

Conditions:
PALB2-related disorder. Also called: PALB2-related condition; PALB2-related disorders.
Hereditary cancer-predisposing syndrome. Also called: Neoplastic Syndromes, Hereditary; Tumor predisposition; Hereditary neoplastic syndrome; Hereditary Cancer Syndrome. Identifiers: Orphanet 140162, MedGen C0027672, MeSH D009386, MONDO:0015356.
Familial cancer of breast. Also called: Hereditary breast cancer; BREAST CANCER, FAMILIAL; hereditary breast carcinoma. Identifiers: Orphanet 227535, MedGen C0346153, MONDO:0016419, OMIM 114480. Disease mechanism: loss of function.
Pancreatic cancer, susceptibility to, 3. Identifiers: Orphanet 1333, MedGen C3150547, MONDO:0013236, OMIM 613348.
Fanconi anemia complementation group N. Also called: PALB2-Related Fanconi Anemia. Identifiers: Orphanet 84, MedGen C1835817, MONDO:0012565, OMIM 610832. Disease mechanism: loss of function.

Allele frequency attached by ClinVar (database versions not stated): gnomAD exomes 0.00001 and 0.00002; ExAC 0.00002; TOPMed 0.00003; ESP Exome Variant Server 0.00008.

Submissions (7):

PreventionGenetics, part of Exact Sciences
Classification: Uncertain significance for PALB2-related condition. Last evaluated: 2026-03-02. Review status: criteria provided, single submitter. Criteria: ACMG Guidelines, 2015. Collection method: clinical testing. Allele origin: germline.
Comment: The PALB2 c.1156A>G variant is predicted to result in the amino acid substitution p.Thr386Ala. This variant was reported in an individual with Biliary tract cancer (Okawa et al. 2023. PubMed ID: 36243179). This variant is reported in 0.0026% of alleles in individuals of European (Non-Finnish) descent in gnomAD. This variant has conflicting classifications of likely benign and uncertain in ClinVar (Variation ID: 182787). At this time, the clinical significance of this variant is uncertain due to the absence of conclusive functional and genetic evidence.

Labcorp Genetics (formerly Invitae), Labcorp
Classification: Uncertain significance for Familial cancer of breast. Last evaluated: 2026-01-26. Review status: criteria provided, single submitter. Criteria: Invitae Variant Classification Sherloc (09022015). Collection method: clinical testing. Allele origin: germline.
Comment: This sequence change replaces threonine, which is neutral and polar, with alanine, which is neutral and non-polar, at codon 386 of the PALB2 protein (p.Thr386Ala). This variant is present in population databases (rs148102335, gnomAD 0.002%). This variant has not been reported in the literature in individuals affected with PALB2-related conditions. ClinVar contains an entry for this variant (Variation ID: 182787). Invitae Evidence Modeling of protein sequence and biophysical properties (such as structural, functional, and spatial information, amino acid conservation, physicochemical variation, residue mobility, and thermodynamic stability) indicates that this missense variant is not expected to disrupt PALB2 protein function with a negative predictive value of 80%. In summary, the available evidence is currently insufficient to determine the role of this variant in disease. Therefore, it has been classified as a Variant of Uncertain Significance.

Ambry Genetics
Classification: Likely benign for Hereditary cancer-predisposing syndrome. Last evaluated: 2025-02-27. Review status: criteria provided, single submitter. Criteria: Ambry Variant Classification Scheme 2023. Collection method: clinical testing. Allele origin: germline.

Quest Diagnostics Nichols Institute San Juan Capistrano
Classification: Uncertain significance. Last evaluated: 2023-04-07. Review status: criteria provided, single submitter. Criteria: Quest Diagnostics criteria. Collection method: clinical testing. Allele origin: unknown.
Comment: The frequency of this variant in the general population, 0.000026 (3/113504 chromosomes), is uninformative in assessment of its pathogenicity. In the published literature, the variant has been reported in breast cancer cases as well as in controls (PMIDs: 28779002 (2017), 33471991 (2021), see also LOVD. Analysis of this variant using bioinformatics tools for the prediction of the effect of amino acid changes on protein structure and function yielded predictions that this variant is benign. Based on the available information, we are unable to determine the clinical significance of this variant.

GeneDx
Classification: Uncertain significance. Last evaluated: 2022-12-29. Review status: criteria provided, single submitter. Criteria: GeneDx Variant Classification Process June 2021. Collection method: clinical testing. Allele origin: germline. Affected: yes.
Comment: Not observed at significant frequency in large population cohorts (gnomAD); In silico analysis supports that this missense variant does not alter protein structure/function; This variant is associated with the following publications: (PMID: 28779002)

Color Diagnostics, LLC DBA Color Health
Classification: Uncertain significance for Hereditary cancer-predisposing syndrome. Last evaluated: 2022-11-16. Review status: criteria provided, single submitter. Criteria: ACMG Guidelines, 2015. Collection method: clinical testing. Allele origin: germline.
Comment: This missense variant replaces threonine with alanine at codon 386 of the PALB2 protein. Computational prediction suggests that this variant may not impact protein structure and function (internally defined REVEL score threshold <= 0.5, PMID: 27666373). To our knowledge, functional studies have not been reported for this variant. This variant has been reported in a breast cancer case-control study in 1/13087 cases and 1/5488 unaffected individuals (PMID: 28779002). This variant has been identified in 3/251148 chromosomes in the general population by the Genome Aggregation Database (gnomAD). The available evidence is insufficient to determine the role of this variant in disease conclusively. Therefore, this variant is classified as a Variant of Uncertain Significance.

Fulgent Genetics
Classification: Uncertain significance for Familial cancer of breast; Fanconi anemia complementation group N; Pancreatic cancer, susceptibility to, 3. Last evaluated: 2022-03-10. Review status: criteria provided, single submitter. Criteria: ACMG Guidelines, 2015. Collection method: clinical testing. Allele origin: unknown.

Literature cited by the submitters: PubMed 33471991 (cited by Quest Diagnostics Nichols Institute San Juan Capistrano); PubMed 28779002 (cited by Quest Diagnostics Nichols Institute San Juan Capistrano and Color Diagnostics, LLC DBA Color Health).

NM_024675.4(PALB2):c.1156A>G (p.Thr386Ala)

Gene: PALB2 (partner and localizer of BRCA2; minus strand). Cytogenetic location: 16p12.2.
Variant type: single nucleotide variant.
Coding change: c.1156A>G on transcript NM_024675.4 (MANE Select); coding-DNA position 1156, A replaced by G.
Protein change: p.Thr386Ala; replaces threonine 386 with alanine.
Molecular consequence: missense variant.
Genome position (GRCh38, 1-based): chr16:23,635,390, T>C on the plus strand (A>G on the coding strand, the complement: PALB2 is on the minus strand). VCF-style: chr16-23635390-T-C. GRCh37 (hg19) VCF-style: chr16-23646711-T-C.
Other names: p.T386A:ACC>GCC; short protein forms T386A.
Identifiers: ClinVar variation 182787 (VCV000182787.27), dbSNP rs148102335, ClinGen allele CA299787.